The following is an entry in ClinVar:

ClinVar aggregate classification (germline): Uncertain significance (1 of 4 stars; one submission).

Conditions:
Fabry disease. Also called: Fabry's disease; ALPHA-GALACTOSIDASE A DEFICIENCY; ANDERSON-FABRY DISEASE; CERAMIDE TRIHEXOSIDASE DEFICIENCY; GLA DEFICIENCY; HEREDITARY DYSTOPIC LIPIDOSIS. Identifiers: Orphanet 324, MedGen C0002986, MONDO:0010526, OMIM 301500, HP:0001071. Disease mechanism: Fabry disease is due to inactivating mutations in the X-linked GLA gene resulting in deficiency of the enzyme Alpha Galactosidase-A., loss of function.

Submission:

Genomenon, Inc
Classification: Uncertain significance for Fabry disease. Last evaluated: 2026-09-08. Review status: criteria provided, single submitter. Criteria: Genomenon Sequence Variant Interpretation Standards - Updated. Collection method: curation. Allele origin: germline. Affected: yes.
Comment: GLA c.[167G>C;170A>T] substitutes two amino acids, Cysteine at position 56 and Glutamine at position 57, with a Serine and a Leucine. This variant has been observed in at least one proband with clinical features consistent with Fabry disease (PMID:34440358). This variant is located in a mutational hotspot and/or important functional domain. It is absent or not present at a significant frequency in gnomAD. In conclusion, we classify GLA (c.[167G>C;170A>T]) as a variant of uncertain significance.

Literature cited by the submitters: PubMed 34440358.

NM_000169.3(GLA):c.[167G>C;170A>T]

Variant type: Haplotype.
Identifiers: ClinVar variation 4087231 (VCV004087231.2).